The following is an entry in ClinVar:

NM_000260.4(MYO7A):c.977T>A (p.Leu326Gln)

Gene: MYO7A (myosin VIIA; plus strand). Cytogenetic location: 11q13.5.
Variant type: single nucleotide variant.
Coding change: c.977T>A on transcript NM_000260.4 (MANE Select); coding-DNA position 977, T replaced by A.
Protein change: p.Leu326Gln; replaces leucine 326 with glutamine.
Molecular consequence: missense variant.
Genome position (GRCh38, 1-based): chr11:77,158,404, T>A. VCF-style: chr11-77158404-T-A. GRCh37 (hg19) VCF-style: chr11-76869450-T-A.
Other names: c.977T>A, p.Leu326Gln (NM_001127180.2); c.944T>A, p.Leu315Gln (NM_001369365.1); short protein forms L326Q, L315Q.
Identifiers: ClinVar variation 164664 (VCV000164664.30), dbSNP rs797044491, ClinGen allele CA278720.

ClinVar aggregate classification (germline): Likely pathogenic. Review status: reviewed by expert panel (3 of 4 stars). 9 submissions from 9 submitters: Likely pathogenic (1). 8 of the submissions do not count toward it. Last evaluated 2024-09-24.

Conditions:
Autosomal recessive nonsyndromic hearing loss 2. Also called: NEUROSENSORY NONSYNDROMIC RECESSIVE DEAFNESS 2; DEAFNESS, AUTOSOMAL RECESSIVE 2. Identifiers: Orphanet 90636, MedGen C1838701, MONDO:0010807, OMIM 600060.
Rare genetic deafness. Identifiers: Orphanet 96210, MedGen C5680250.
Usher syndrome. Also called: Usher Syndromes; Usher's syndrome. Identifiers: Orphanet 886, MedGen CN469326, MeSH D052245, MONDO:0019501. Disease mechanism: loss of function.
Autosomal dominant nonsyndromic hearing loss 11. Identifiers: Orphanet 90635, MedGen C1832475, MONDO:0011032, OMIM 601317.
Usher syndrome type 1 (USH1). Also called: RETINITIS PIGMENTOSA AND CONGENITAL DEAFNESS. Identifiers: Orphanet 231169, Orphanet 886, MedGen C1568247, MONDO:0010168, OMIM 276900.
MYO7A-related disorder. Also called: MYO7A-related disorders.
Hearing loss, autosomal recessive. Also called: Deafness, autosomal recessive; Autosomal recessive nonsyndromic deafness; Rare autosomal recessive non-syndromic sensorineural deafness type DFNB; Nonsyndromic Hearing Loss, Recessive. Identifiers: Orphanet 90635, Orphanet 90636, MedGen C1846647, MONDO:0019588, OMIM 607197.

Allele frequency attached by ClinVar (database versions not stated): TOPMed below 0.00001; gnomAD 0.00001 and below 0.00001; gnomAD exomes below 0.00001.
gnomAD v4.1: 7 of 1,612,254 alleles (0.00043%); highest among the groups gnomAD compares: South Asian, 0.0077%; no homozygotes.

Submissions (9):

ClinGen Hearing Loss Variant Curation Expert Panel
Classification: Likely pathogenic for Usher syndrome. Last evaluated: 2024-09-24. Review status: reviewed by expert panel. Criteria: Clingen Hl Acmg Specifications Cdh23 Coch Gjb2 Kcnq4 Myo6 Myo7a Slc26a4 Tecta Ush2a V2. Collection method: curation. Allele origin: germline. Inheritance: Autosomal recessive inheritance.
Comment: The c.977T>A variant in MYO7A is a missense variant predicted to cause substitution of leucine by glutamine at amino acid 326 (p.Leu326Gln). The highest population filtering allele frequency in gnomAD v4.1 is 0.00002995 (7/91056 alleles) in the South Asian population, which is lower than the ClinGen Hearing Loss VCEP threshold (≤0.00007) for PM2_Supporting, meeting this criterion (PM2_Supporting). The computational predictor REVEL gives a score of 0.991, which is above the threshold of 0.7, evidence that correlates with impact to MYO7A function (PP3). This variant has been detected in 3 individuals with autosomal recessive Usher syndrome. Of those individuals, 2 were compound heterozygous for the variant and a pathogenic or likely pathogenic variant and both of those were confirmed in trans by family testing (1.5 PM3 points, SCV000199549.4, SCV000589578.6, Laboratory for Molecular Medicine, GeneDx). One individual was homozygous for the variant (0.5 PM3 points, PMID: 18181211) (PM3_Strong). At least one patient with this variant displayed sensorineural hearing loss with retinitis pigmentosa, which is highly specific for autosomal recessive Usher syndrome (PP4, SCV000199549.4, Laboratory for Molecular Medicine). In summary, this variant meets the criteria to be classified as likely pathogenic for autosomal recessive Usher syndrome based on the ACMG/AMP criteria applied, as specified by the ClinGen Hearing Loss VCEP: PM3_Strong, PM2_Supporting, PP3, PP4. (ClinGen Hearing Loss VCEP specifications version 2; 9/24/2024)

Myriad Genetics, Inc.
Classification: Likely pathogenic for Usher syndrome type 1. Last evaluated: 2025-12-08. Review status: criteria provided, single submitter. Criteria: Myriad Autosomal Dominant, Autosomal Recessive and X-Linked Classification Criteria (2023). Collection method: clinical testing. Allele origin: unknown. Not counted in ClinVar's aggregate classification.
Comment: NM_000260.3(MYO7A):c.977T>A(L326Q) is a missense variant classified as likely pathogenic in the context of MYO7A-related disorders. L326Q has been observed in cases with relevant disease (PMID: 18181211, 30303587, Lim_2021_Article, 33269433, 22135276). Relevant functional assessments of this variant are not available in the literature. Internal structural analysis of the variant is supportive of pathogenicity. L326Q has not been observed in referenced population frequency databases. In summary, NM_000260.3(MYO7A):c.977T>A(L326Q) is a missense variant that has internal structural support for pathogenicity and has been observed more frequently in cases with the relevant disease than in healthy populations. Please note: this variant was assessed in the context of healthy population screening.

GeneDx
Classification: Likely pathogenic. Last evaluated: 2024-08-22. Review status: criteria provided, single submitter. Criteria: GeneDx Variant Classification Process June 2021. Collection method: clinical testing. Allele origin: germline. Affected: yes. Not counted in ClinVar's aggregate classification.
Comment: Observed with no second variant in an individual with hearing loss in published literature (PMID: 22135276); Not observed at significant frequency in large population cohorts (gnomAD); In silico analysis supports that this missense variant has a deleterious effect on protein structure/function; This variant is associated with the following publications: (PMID: 33269433, 33671976, 18181211, 22135276, LimSO2021[Article])

Fulgent Genetics
Classification: Likely pathogenic for Usher syndrome type 1; Autosomal recessive nonsyndromic hearing loss 2; Autosomal dominant nonsyndromic hearing loss 11. Last evaluated: 2024-01-08. Review status: criteria provided, single submitter. Criteria: ACMG Guidelines, 2015. Collection method: clinical testing. Allele origin: germline. Not counted in ClinVar's aggregate classification.

Labcorp Genetics (formerly Invitae), Labcorp
Classification: Likely pathogenic. Last evaluated: 2023-09-21. Review status: criteria provided, single submitter. Criteria: Invitae Variant Classification Sherloc (09022015). Collection method: clinical testing. Allele origin: germline. Not counted in ClinVar's aggregate classification.
Comment: This missense change has been observed in individual(s) with Usher syndrome (PMID: 18181211). This variant is not present in population databases (gnomAD no frequency). This sequence change replaces leucine, which is neutral and non-polar, with glutamine, which is neutral and polar, at codon 326 of the MYO7A protein (p.Leu326Gln). ClinVar contains an entry for this variant (Variation ID: 164664). In summary, the currently available evidence indicates that the variant is pathogenic, but additional data are needed to prove that conclusively. Therefore, this variant has been classified as Likely Pathogenic. This variant disrupts the p.Leu326 amino acid residue in MYO7A. Other variant(s) that disrupt this residue have been observed in individuals with MYO7A-related conditions (PMID: 25558175), which suggests that this may be a clinically significant amino acid residue. Advanced modeling of protein sequence and biophysical properties (such as structural, functional, and spatial information, amino acid conservation, physicochemical variation, residue mobility, and thermodynamic stability) performed at Invitae indicates that this missense variant is expected to disrupt MYO7A protein function.

Blueprint Genetics
Classification: Likely pathogenic for MYO7A-related disorders. Last evaluated: 2022-10-31. Review status: criteria provided, single submitter. Criteria: ACMG Guidelines, 2015. Collection method: clinical testing. Allele origin: germline. Affected: yes. Observed: 2 variant alleles. Not counted in ClinVar's aggregate classification.

Laboratory for Molecular Medicine, Mass General Brigham Personalized Medicine
Classification: Likely pathogenic for Rare genetic deafness. Last evaluated: 2013-05-07. Review status: criteria provided, single submitter. Criteria: LMM Criteria. Collection method: clinical testing. Allele origin: germline. Inheritance: Autosomal recessive inheritance. Observed: 1 variant allele. Not counted in ClinVar's aggregate classification.
Comment: The Leu326Gln variant in MYO7A has been reported in two individuals with clinica l features of Usher syndrome, one of whom was homozygous ( Riazuddin 2008, Le Qu esne Stabej 2012). Furthermore, computational analyses (biochemical amino acid properties, con servation, AlignGVGD, PolyPhen2, and SIFT) suggest that the variant may impact t he protein. In summary, this variant is likely to be pathogenic, though addition al studies are required to fully establish its clinical significance.

Neuberg Centre For Genomic Medicine, NCGM
Classification: Likely pathogenic for Autosomal recessive nonsyndromic hearing loss 2. Review status: criteria provided, single submitter. Criteria: ACMG Guidelines, 2015. Collection method: clinical testing. Allele origin: germline. Inheritance: Autosomal recessive inheritance. Affected: yes. Not counted in ClinVar's aggregate classification.
Comment: The observed missense c.977T>A(p.Leu326Gln) variant in MYO7A gene has been reported previously in homozygous and compound heterozygous state in multiple individuals affected with MYO7A-related disorders (Sodi A, et al., 2014; Le Quesne Stabej P, et al., 2012; Riazuddin S, et al., 2008). The p.Leu326Gln variant is absent in gnomAD Exomes. This variant has been submitted to the ClinVar database as Uncertain Significance / Likely Pathogenic. The amino acid change p.Leu326Gln in MYO7A is predicted as conserved by GERP++ and PhyloP across 100 vertebrates. The amino acid Leu at position 326 is changed to a Gln changing protein sequence and it might alter its composition and physico-chemical properties. For these reasons, this variant has been classified as Likely Pathogenic.

University of Washington Center for Mendelian Genomics, University of Washington
Classification: Likely pathogenic for non-syndromic autosomal recessive hearing loss. Review status: no assertion criteria provided. Collection method: research. Allele origin: inherited. Affected: yes. Not counted in ClinVar's aggregate classification.

Literature cited by the submitters: PubMed 18181211 (cited by Labcorp Genetics (formerly Invitae), Labcorp and Laboratory for Molecular Medicine, Mass General Brigham Personalized Medicine); PubMed 25558175 (cited by Labcorp Genetics (formerly Invitae), Labcorp); PubMed 22135276 (cited by Laboratory for Molecular Medicine, Mass General Brigham Personalized Medicine); PubMed 30303587 (cited by University of Washington Center for Mendelian Genomics, University of Washington).